The following is an entry in ClinVar:

ClinVar aggregate classification (germline): Pathogenic/Likely pathogenic. Review status: criteria provided, multiple submitters, no conflicts (2 of 4 stars). 3 submissions from 3 submitters: Pathogenic (2); Likely pathogenic (1). Last evaluated 2024-08-19.

Conditions:
Basal cell carcinoma, susceptibility to, 1. Also called: BCC1. Identifiers: MedGen C2751544, MONDO:0011556, OMIM 605462.
Basal cell nevus syndrome 1 (BCNS1). Also called: GORLIN-GOLTZ SYNDROME; MULTIPLE BASAL CELL NEVI, ODONTOGENIC KERATOCYSTS, AND SKELETAL ANOMALIES. Identifiers: MedGen CN376810, MONDO:0958174, OMIM 109400.
Holoprosencephaly 7 (HPE7). Identifiers: Orphanet 2162, MedGen C1835820, MONDO:0012562, OMIM 610828.
Gorlin syndrome. Also called: Nevoid Basal Cell Carcinoma Syndrome; Basal cell nevus syndrome. Identifiers: Orphanet 377, MedGen C0004779, MONDO:0007187.

Submissions (3):

Department of Pathology and Laboratory Medicine, Sinai Health System
Classification: Pathogenic for Basal cell nevus syndrome 1; Basal cell carcinoma, susceptibility to, 1; Holoprosencephaly 7. Last evaluated: 2024-08-19. Review status: criteria provided, single submitter. Criteria: ACMG Guidelines, 2015. Collection method: clinical testing. Allele origin: germline.

Institute for Genomic Medicine (IGM) Clinical Laboratory, Nationwide Children's Hospital
Classification: Likely pathogenic for Basal cell nevus syndrome 1. Last evaluated: 2022-12-19. Review status: criteria provided, single submitter. Criteria: ACMG Guidelines, 2015. Collection method: clinical testing. Allele origin: germline.
Comment: This variant is predicted to result in loss of function through nonsense-mediated decay of the encoded transcript or premature truncation of the encoded protein in a gene in which loss of function is a known mechanism of disease (ACMG/AMP: PVS1; PMIDs:10564585, 29575684, 8658145, 19557015, 34185076). This variant is absent from or present at an exceedingly low frequency in gnomAD, a large-scale control population database (ACMG/AMP: PM2).

Labcorp Genetics (formerly Invitae), Labcorp
Classification: Pathogenic for Gorlin syndrome. Last evaluated: 2022-09-13. Review status: criteria provided, single submitter. Criteria: Invitae Variant Classification Sherloc (09022015). Collection method: clinical testing. Allele origin: germline.
Comment: This sequence change creates a premature translational stop signal (p.Tyr403Cysfs*33) in the PTCH1 gene. It is expected to result in an absent or disrupted protein product. Loss-of-function variants in PTCH1 are known to be pathogenic (PMID: 16301862, 16419085). This variant is not present in population databases (gnomAD no frequency). This premature translational stop signal has been observed in individual(s) with Gorlin syndrome (PMID: 12925203, 16301862). This variant is also known as delAT (codon 403) and c1208delAT. ClinVar contains an entry for this variant (Variation ID: 409183). For these reasons, this variant has been classified as Pathogenic.

Literature cited by the submitters: PubMed 16301862 (cited by Department of Pathology and Laboratory Medicine, Sinai Health System and Labcorp Genetics (formerly Invitae), Labcorp); PubMed 12925203 (cited by Department of Pathology and Laboratory Medicine, Sinai Health System and Labcorp Genetics (formerly Invitae), Labcorp); PubMed 10564585 (cited by Institute for Genomic Medicine (IGM) Clinical Laboratory, Nationwide Children's Hospital); PubMed 29575684 (cited by Institute for Genomic Medicine (IGM) Clinical Laboratory, Nationwide Children's Hospital); PubMed 8658145 (cited by Institute for Genomic Medicine (IGM) Clinical Laboratory, Nationwide Children's Hospital); PubMed 19557015 (cited by Institute for Genomic Medicine (IGM) Clinical Laboratory, Nationwide Children's Hospital); PubMed 34185076 (cited by Institute for Genomic Medicine (IGM) Clinical Laboratory, Nationwide Children's Hospital); PubMed 16419085 (cited by Labcorp Genetics (formerly Invitae), Labcorp).

NM_000264.5(PTCH1):c.1208_1209del (p.Tyr403fs)

Gene: PTCH1 (patched 1; minus strand). Cytogenetic location: 9q22.32.
Variant type: Microsatellite.
Coding change: c.1208_1209del on transcript NM_000264.5 (MANE Select); coding-DNA positions 1208 to 1209, 2 bases deleted (AT; older notation c.1208_1209delAT).
Protein change: p.Tyr403fs; shifts the reading frame from tyrosine 403.
Molecular consequence: frameshift variant. On other transcripts: non-coding transcript variant (1).
Genome position (GRCh38, 1-based): chr9:95,479,006-95,479,007, AT deleted on the plus strand (AT on the coding strand, the reverse complement: PTCH1 is on the minus strand); deleting any 2 consecutive bases within chr9:95,479,006-95,479,009 gives the same sequence; the c. name uses the placement nearest the transcript's 3' end. VCF-style (leftmost placement, unchanged base first): chr9-95479005-CAT-C. GRCh37 (hg19) VCF-style: chr9-98241287-CAT-C.
Other names: c.1010_1011del, p.Tyr337fs (NM_001083602.3); c.1205_1206del, p.Tyr402fs (NM_001083603.3); c.755_756del, p.Tyr252fs (NM_001083604.3, NM_001083605.3, NM_001083606.3 and 1 more transcripts); c.1208_1209del, p.Tyr403fs (NM_001354918.2); short protein forms Y252fs, Y403fs, Y337fs, Y402fs.
Identifiers: ClinVar variation 409183 (VCV000409183.10), dbSNP rs1060502286, ClinGen allele CA16612772.